The following is an entry in ClinVar:

ClinVar aggregate classification (germline): Uncertain significance. Review status: criteria provided, multiple submitters, no conflicts (2 of 4 stars). 2 submissions from 2 submitters: Uncertain significance (2). Last evaluated 2023-12-28.

Conditions:
Pulmonary fibrosis and/or bone marrow failure, Telomere-related, 3. Also called: PULMONARY FIBROSIS AND/OR BONE MARROW FAILURE SYNDROME, TELOMERE-RELATED, 3. Identifiers: Orphanet 2032, MedGen C4225346, MONDO:0014613, OMIM 616373.
Dyskeratosis congenita, autosomal recessive 5 (DKCB5). Identifiers: MedGen C3554656, MONDO:0014076, OMIM 615190.
Inborn genetic diseases. Identifiers: MedGen C0950123, MeSH D030342.

Allele frequency attached by ClinVar (database versions not stated): ESP Exome Variant Server 0.00008.
gnomAD v4.1: 9 of 1,612,496 alleles (0.00056%); highest among the groups gnomAD compares: African/African-American, 0.011%; no homozygotes.

Submissions (2):

Labcorp Genetics (formerly Invitae), Labcorp
Classification: Uncertain significance for Dyskeratosis congenita, autosomal recessive 5; Pulmonary fibrosis and/or bone marrow failure, Telomere-related, 3. Last evaluated: 2023-12-28. Review status: criteria provided, single submitter. Criteria: Invitae Variant Classification Sherloc (09022015). Collection method: clinical testing. Allele origin: germline.
Comment: This sequence change replaces lysine, which is basic and polar, with asparagine, which is neutral and polar, at codon 944 of the RTEL1 protein (p.Lys944Asn). The frequency data for this variant in the population databases is considered unreliable, as metrics indicate poor data quality at this position in the gnomAD database. This variant has not been reported in the literature in individuals affected with RTEL1-related conditions. ClinVar contains an entry for this variant (Variation ID: 2182671). An algorithm developed to predict the effect of missense changes on protein structure and function (PolyPhen-2) suggests that this variant¬†is likely to be tolerated. In summary, the available evidence is currently insufficient to determine the role of this variant in disease. Therefore, it has been classified as a Variant of Uncertain Significance.

Ambry Genetics
Classification: Uncertain significance for Inborn genetic diseases. Last evaluated: 2023-06-16. Review status: criteria provided, single submitter. Criteria: Ambry Variant Classification Scheme 2023. Collection method: clinical testing. Allele origin: germline.

NM_001283009.2(RTEL1):c.2832G>C (p.Lys944Asn)

Genes: RTEL1 (regulator of telomere elongation helicase 1; plus strand), RTEL1-TNFRSF6B (RTEL1-TNFRSF6B readthrough (NMD candidate); plus strand). Cytogenetic location: 20q13.33.
Variant type: single nucleotide variant.
Coding change: c.2832G>C on transcript NM_001283009.2 (MANE Select); coding-DNA position 2832, G replaced by C.
Protein change: p.Lys944Asn; replaces lysine 944 with asparagine.
Molecular consequence: missense variant. On other transcripts: non-coding transcript variant (1).
Genome position (GRCh38, 1-based): chr20:63,692,984, G>C. VCF-style: chr20-63692984-G-C. GRCh37 (hg19) VCF-style: chr20-62324337-G-C.
Other names: c.2163G>C, p.Lys721Asn (NM_001283010.1); c.2832G>C, p.Lys944Asn (NM_016434.4); c.2904G>C, p.Lys968Asn (NM_032957.5); c.2904G>C (NM_032957.4); short protein forms K944N, K968N, K721N.
Identifiers: ClinVar variation 2182671 (VCV002182671.4), dbSNP rs147040733, ClinGen allele CA9965568.